The following is an entry in ClinVar:

NM_000540.3(RYR1):c.11392A>C (p.Lys3798Gln)

Gene: RYR1 (ryanodine receptor 1; plus strand). Cytogenetic location: 19q13.2.
Variant type: single nucleotide variant.
Coding change: c.11392A>C on transcript NM_000540.3 (MANE Select); coding-DNA position 11392, A replaced by C.
Protein change: p.Lys3798Gln; replaces lysine 3798 with glutamine.
Molecular consequence: missense variant.
Genome position (GRCh38, 1-based): chr19:38,535,173, A>C. VCF-style: chr19-38535173-A-C. GRCh37 (hg19) VCF-style: chr19-39025813-A-C.
Other names: c.11377A>C, p.Lys3793Gln (NM_001042723.2); short protein forms K3793Q, K3798Q.
Identifiers: ClinVar variation 3069924 (VCV003069924.1), dbSNP rs2514530272, ClinGen allele CA405655220.
Genomic context (GRCh38, chr19:38,535,173, plus strand): 5'-ACCATCTTTTTTCTCCCACTCCCTCCAGGAGAGACAGGTGCCATGGTGTCCTCCACCCTG[A>C]AGCTGGGCATCTCCATCCTCAATGGAGGCAATGCTGAGGTCCAGCAGGTAACAGAGGCAA-3'
Protein context (NP_000531.2, residues 3788-3808): ETGAMVSSTL[Lys3798Gln]LGISILNGGN

ClinVar aggregate classification (germline): Uncertain significance (1 of 4 stars; one submission).

Conditions:
Malignant hyperthermia, susceptibility to, 1 (MHS1). Also called: RYR1-Related Malignant Hyperthermia Susceptibility; Anesthesia related hyperthermia; Malignant hyperpyrexia; Fulminating hyperpyrexia; Pharmacogenic myopathy; Malignant hyperthermia suceptibility 1. Identifiers: Orphanet 423, MedGen C2930980, MONDO:0007783, OMIM 145600.

Submission:

All of Us Research Program, National Institutes of Health
Classification: Uncertain significance for Malignant hyperthermia, susceptibility to, 1. Last evaluated: 2023-03-23. Review status: criteria provided, single submitter. Criteria: ACMG Guidelines, 2015. Collection method: clinical testing. Allele origin: germline. Inheritance: Autosomal dominant inheritance. Observed: 1 variant allele, 1 heterozygote.
Comment: This missense variant replaces lysine with glutamine at codon 3798 of the RYR1 protein. Computational prediction is inconclusive regarding the impact of this variant on protein structure and function (internally defined REVEL score threshold 0.5 < inconclusive < 0.7, PMID: 27666373). To our knowledge, functional studies have not been reported for this variant. This variant has not been reported in individuals affected with RYR1-related disorders in the literature. This variant has not been identified in the general population by the Genome Aggregation Database (gnomAD). The available evidence is insufficient to determine the role of this variant in disease conclusively. Therefore, this variant is classified as a Variant of Uncertain Significance.

This study involves interpretation of variants in research participants for the purpose of population health screening. Participant phenotype was not available at the time of variant classification. Additional details can be found in publication PMID: 35346344, PMCID: PMC8962531